The following is an entry in ClinVar:

NM_001166114.2(PNPLA6):c.1369A>G (p.Thr457Ala)

Gene: PNPLA6 (patatin like domain 6, lysophospholipase; plus strand). Cytogenetic location: 19p13.2.
Variant type: single nucleotide variant.
Coding change: c.1369A>G on transcript NM_001166114.2 (MANE Select); coding-DNA position 1369, A replaced by G.
Protein change: p.Thr457Ala; replaces threonine 457 with alanine.
Molecular consequence: missense variant.
Genome position (GRCh38, 1-based): chr19:7,542,767, A>G. VCF-style: chr19-7542767-A-G. GRCh37 (hg19) VCF-style: chr19-7607653-A-G.
Other names: c.1396A>G, p.Thr466Ala (NM_001166111.2); c.1252A>G, p.Thr418Ala (NM_001166112.2, NM_001166113.1, NM_006702.5); short protein forms T418A, T466A, T457A.
Identifiers: ClinVar variation 1465777 (VCV001465777.8), dbSNP rs2023214810, ClinGen allele CA403112415.

ClinVar aggregate classification (germline): Uncertain significance (1 of 4 stars; one submission).

Conditions:
Hereditary spastic paraplegia 39 (SPG39). Also called: Spastic Paraplegia Type 39 (SPG39); SPASTIC PARAPLEGIA 39, AUTOSOMAL RECESSIVE. Identifiers: Orphanet 139480, MedGen C2677586, MONDO:0012787, OMIM 612020.

Allele frequency attached by ClinVar (database versions not stated): TOPMed below 0.00001.

Submission:

Labcorp Genetics (formerly Invitae), Labcorp
Classification: Uncertain significance for Hereditary spastic paraplegia 39. Last evaluated: 2021-02-03. Review status: criteria provided, single submitter. Criteria: Invitae Variant Classification Sherloc (09022015). Collection method: clinical testing. Allele origin: germline.
Comment: This sequence change replaces threonine with alanine at codon 418 of the PNPLA6 protein (p.Thr418Ala). The threonine residue is moderately conserved and there is a small physicochemical difference between threonine and alanine. This variant is not present in population databases (ExAC no frequency). This variant has not been reported in the literature in individuals with PNPLA6-related conditions. Algorithms developed to predict the effect of missense changes on protein structure and function (SIFT, PolyPhen-2, Align-GVGD) all suggest that this variant is likely to be tolerated, but these predictions have not been confirmed by published functional studies and their clinical significance is uncertain. In summary, the available evidence is currently insufficient to determine the role of this variant in disease. Therefore, it has been classified as a Variant of Uncertain Significance.